The following is an entry in ClinVar:

ClinVar aggregate classification (germline): Benign/Likely benign. Review status: criteria provided, multiple submitters, no conflicts (2 of 4 stars). 3 submissions from 3 submitters: Benign (1); Likely benign (1). 1 of the submissions does not count toward it. Last evaluated 2018-01-13.

Conditions:
Smith-Lemli-Opitz syndrome (SLOS). Also called: LETHAL ACRODYSGENITAL SYNDROME; POLYDACTYLY, SEX REVERSAL, RENAL HYPOPLASIA, AND UNILOBAR LUNG; RSH SYNDROME; RUTLEDGE LETHAL MULTIPLE CONGENITAL ANOMALY SYNDROME; 7-Dehydrocholesterol reductase deficiency. Identifiers: Orphanet 818, MedGen C0175694, MONDO:0010035, OMIM 270400.

Allele frequency attached by ClinVar (database versions not stated): gnomAD 0.02601 and 0.02735; TOPMed 0.02885; 1000 Genomes Project 0.03435; 1000 Genomes Project 30x 0.03638; gnomAD exomes 0.05000.
gnomAD v4.1: 3,928 of 152,344 alleles (2.6%); highest among the groups gnomAD compares: African/African-American, 8.8%; 162 homozygotes.

Submissions (3):

Illumina Laboratory Services, Illumina
Classification: Likely benign for Smith-Lemli-Opitz syndrome. Last evaluated: 2018-01-13. Review status: criteria provided, single submitter. Criteria: ICSL Variant Classification Criteria 13 December 2019. Collection method: clinical testing. Allele origin: germline.
Comment: This variant was observed in the ICSL laboratory as part of a predisposition screen in an ostensibly healthy population. It had not been previously curated by ICSL or reported in the Human Gene Mutation Database (HGMD: prior to June 1st, 2018), and was therefore a candidate for classification through an automated scoring system. Utilizing variant allele frequency, disease prevalence and penetrance estimates, and inheritance mode, an automated score was calculated to assess if this variant is too frequent to cause the disease. Based on the score and internal cut-off values, a variant classified as likely benign is not then subjected to further curation. The score for this variant resulted in a classification of likely benign for this disease.

GeneDx
Classification: Benign. Last evaluated: 2015-03-03. Review status: criteria provided, single submitter. Criteria: GeneDx Variant Classification Process June 2021. Collection method: clinical testing. Allele origin: germline. Affected: yes.

Natera, Inc.
Classification: Likely benign for Smith-Lemli-Opitz syndrome. Last evaluated: 2017-05-05. Review status: no assertion criteria provided. Collection method: clinical testing. Allele origin: germline. Not counted in ClinVar's aggregate classification.

NM_001360.3(DHCR7):c.-35C>T

Gene: DHCR7 (7-dehydrocholesterol reductase; minus strand). Cytogenetic location: 11q13.4.
Variant type: single nucleotide variant.
Coding change: c.-35C>T on transcript NM_001360.3 (MANE Select); 35 bases upstream of the start codon, C replaced by T.
Molecular consequence: 5 prime UTR variant.
Genome position (GRCh38, 1-based): chr11:71,447,638, G>A on the plus strand (C>T on the coding strand, the complement: DHCR7 is on the minus strand). VCF-style: chr11-71447638-G-A. GRCh37 (hg19) VCF-style: chr11-71158684-G-A.
Other names: c.-35C>T (NM_001163817.2).
Identifiers: ClinVar variation 305964 (VCV000305964.10), dbSNP rs75974711, ClinGen allele CA10640033.